The following is an entry in ClinVar:

NM_000138.5(FBN1):c.1418G>A (p.Arg473Gln)

Gene: FBN1 (fibrillin 1; minus strand). Cytogenetic location: 15q21.1.
Variant type: single nucleotide variant.
Coding change: c.1418G>A on transcript NM_000138.5 (MANE Select); coding-DNA position 1418, G replaced by A.
Protein change: p.Arg473Gln; replaces arginine 473 with glutamine.
Molecular consequence: missense variant.
Genome position (GRCh38, 1-based): chr15:48,515,437, C>T on the plus strand (G>A on the coding strand, the complement: FBN1 is on the minus strand). VCF-style: chr15-48515437-C-T. GRCh37 (hg19) VCF-style: chr15-48807634-C-T.
Other names: c.1418G>A, p.Arg473Gln (NM_001406716.1); short protein forms R473Q.
Identifiers: ClinVar variation 2188433 (VCV002188433.5), dbSNP rs754397542, ClinGen allele CA044637.

ClinVar aggregate classification (germline): Uncertain significance. Review status: criteria provided, multiple submitters, no conflicts (2 of 4 stars). 2 submissions from 2 submitters: Uncertain significance (2). Last evaluated 2026-01-17.

Conditions:
Familial thoracic aortic aneurysm and aortic dissection (TAAD). Also called: Thoracic aortic aneurysms and dissections. Identifiers: Orphanet 91387, MedGen C4707243, MONDO:0019625.
Marfan syndrome (MFS). Also called: MARFAN SYNDROME, TYPE I; Marfan syndrome type 1; Marfan's syndrome; Marfan syndrome, classic; FBN1-Related Marfan Syndrome. Identifiers: Orphanet 284963, Orphanet 558, MedGen C0024796, MONDO:0007947, OMIM 154700.

Allele frequency attached by ClinVar (database versions not stated): gnomAD exomes 0.00001; ExAC 0.00001; TOPMed 0.00002.
gnomAD v4.1: 10 of 1,613,988 alleles (0.00062%); highest among the groups gnomAD compares: Admixed American, 0.005%; no homozygotes.

Submissions (2):

Labcorp Genetics (formerly Invitae), Labcorp
Classification: Uncertain significance for Marfan syndrome; Familial thoracic aortic aneurysm and aortic dissection. Last evaluated: 2026-01-17. Review status: criteria provided, single submitter. Criteria: Invitae Variant Classification Sherloc (09022015). Collection method: clinical testing. Allele origin: germline.
Comment: This sequence change replaces arginine, which is basic and polar, with glutamine, which is neutral and polar, at codon 473 of the FBN1 protein (p.Arg473Gln). This variant is present in population databases (rs754397542, gnomAD 0.01%). This variant has not been reported in the literature in individuals affected with FBN1-related conditions. ClinVar contains an entry for this variant (Variation ID: 2188433). Invitae Evidence Modeling of protein sequence and biophysical properties (such as structural, functional, and spatial information, amino acid conservation, physicochemical variation, residue mobility, and thermodynamic stability) indicates that this missense variant is expected to disrupt FBN1 protein function with a positive predictive value of 95%. In summary, the available evidence is currently insufficient to determine the role of this variant in disease. Therefore, it has been classified as a Variant of Uncertain Significance.

Color Diagnostics, LLC DBA Color Health
Classification: Uncertain significance for Familial thoracic aortic aneurysm and aortic dissection. Last evaluated: 2025-05-12. Review status: criteria provided, single submitter. Criteria: ACMG Guidelines, 2015. Collection method: clinical testing. Allele origin: germline.
Comment: This missense variant replaces arginine with glutamine at codon 473 of the FBN1 protein. Computational prediction suggests that this variant may have a deleterious impact on protein structure and function. To our knowledge, functional studies have not been reported for this variant. This variant has not been reported in individuals affected with FBN1-related disorders in the literature. This variant has been identified in 4/251218 chromosomes in the general population by the Genome Aggregation Database (gnomAD). The available evidence is insufficient to determine the role of this variant in disease conclusively. Therefore, this variant is classified as a Variant of Uncertain Significance.